The following is an entry in ClinVar:

ClinVar aggregate classification (germline): Pathogenic. Review status: criteria provided, multiple submitters, no conflicts (2 of 4 stars). 2 submissions from 2 submitters: Pathogenic (2). Last evaluated 2024-02-09.

Conditions:
Juvenile polyposis syndrome (JPS). Identifiers: Orphanet 2929, MedGen C0345893, MONDO:0017380, OMIM 174900.
Juvenile polyposis/hereditary hemorrhagic telangiectasia syndrome (JPHT). Also called: JP/HHT SYNDROME; JUVENILE POLYPOSIS WITH HEREDITARY HEMORRHAGIC TELANGIECTASIA; POLYPOSIS, GENERALIZED JUVENILE, WITH PULMONARY ARTERIOVENOUS MALFORMATION; TELANGIECTASIA, HEREDITARY HEMORRHAGIC, WITH JUVENILE POLYPOSIS COLI; Juvenile Polyposis Syndrome / Hereditary Hemorrhagic Telangiectasia (JPS/HHT). Identifiers: Orphanet 2929, MedGen C1832942, MONDO:0008278, OMIM 175050.

Submissions (2):

Myriad Genetics, Inc.
Classification: Pathogenic for Juvenile polyposis/hereditary hemorrhagic telangiectasia syndrome. Last evaluated: 2024-02-09. Review status: criteria provided, single submitter. Criteria: Myriad Autosomal Dominant, Autosomal Recessive and X-Linked Classification Criteria (2023). Collection method: clinical testing. Allele origin: unknown.
Comment: This variant is considered pathogenic. This variant creates a termination codon and is predicted to result in premature protein truncation.

Labcorp Genetics (formerly Invitae), Labcorp
Classification: Pathogenic for Juvenile polyposis syndrome. Last evaluated: 2020-01-06. Review status: criteria provided, single submitter. Criteria: Invitae Variant Classification Sherloc (09022015). Collection method: clinical testing. Allele origin: germline.
Comment: This sequence change creates a premature translational stop signal (p.Ser178*) in the SMAD4 gene. It is expected to result in an absent or disrupted protein product. For these reasons, this variant has been classified as Pathogenic. Loss-of-function variants in SMAD4 are known to be pathogenic (PMID: 16152648, 16436638, 22810475). A similar variant (c.533C>G) resulting in the same protein effect observed here has been observed in individual(s) with clinical features of juvenille polyposis syndrome (PMID: 10441006). This variant is not present in population databases (ExAC no frequency).

Literature cited by the submitters: PubMed 16152648 (cited by Labcorp Genetics (formerly Invitae), Labcorp); PubMed 16436638 (cited by Labcorp Genetics (formerly Invitae), Labcorp); PubMed 22810475 (cited by Labcorp Genetics (formerly Invitae), Labcorp); PubMed 10441006 (cited by Labcorp Genetics (formerly Invitae), Labcorp).

NM_005359.6(SMAD4):c.533C>A (p.Ser178Ter)

Gene: SMAD4 (SMAD family member 4; plus strand). Cytogenetic location: 18q21.2.
Variant type: single nucleotide variant.
Coding change: c.533C>A on transcript NM_005359.6 (MANE Select); coding-DNA position 533, C replaced by A.
Protein change: p.Ser178Ter; replaces serine 178 with a stop codon.
Molecular consequence: nonsense.
Genome position (GRCh38, 1-based): chr18:51,054,859, C>A. VCF-style: chr18-51054859-C-A. GRCh37 (hg19) VCF-style: chr18-48581229-C-A.
Other names: short protein forms S178*.
Identifiers: ClinVar variation 836290 (VCV000836290.11), dbSNP rs377767331, ClinGen allele CA402460857.